The following is an entry in ClinVar:

NM_177438.3(DICER1):c.2054G>T (p.Ser685Ile)

Gene: DICER1 (dicer 1, ribonuclease III; minus strand). Cytogenetic location: 14q32.13.
Variant type: single nucleotide variant.
Coding change: c.2054G>T on transcript NM_177438.3 (MANE Select); coding-DNA position 2054, G replaced by T.
Protein change: p.Ser685Ile; replaces serine 685 with isoleucine.
Molecular consequence: missense variant. On other transcripts: non-coding transcript variant (6).
Genome position (GRCh38, 1-based): chr14:95,112,234, C>A on the plus strand (G>T on the coding strand, the complement: DICER1 is on the minus strand). VCF-style: chr14-95112234-C-A. GRCh37 (hg19) VCF-style: chr14-95578571-C-A.
Other names: c.2054G>T, p.Ser685Ile (NM_001195573.1, NM_001271282.3, NM_001291628.2 and 12 more transcripts); c.1772G>T, p.Ser591Ile (NM_001395686.1); c.1649G>T, p.Ser550Ile (NM_001395687.1, NM_001395688.1, NM_001395689.1 and 3 more transcripts); c.1487G>T, p.Ser496Ile (NM_001395691.1); c.371G>T, p.Ser124Ile (NM_001395697.1); short protein forms S591I, S685I, S124I, S550I, S496I.
Identifiers: ClinVar variation 4011600 (VCV004011600.1).
Genomic context (GRCh38, chr14:95,112,234, plus strand): 5'-ATTTTGTGCAGTTTCTCACAGCAAATGAGAGCTACAACTCTTTCAGCCAATCGTACACAG[C>A]TCATTGGTGGACCCTGAAAATAACAAAAACCTTTCCATTATATATGCACATCGCTGTATT-3'
Protein context (NP_803187.1, residues 675-695): LRASIVGPPM[Ser685Ile]CVRLAERVVA

ClinVar aggregate classification (germline): Uncertain significance (1 of 4 stars; one submission).

Conditions:
Hereditary cancer-predisposing syndrome. Also called: Tumor predisposition; Hereditary neoplastic syndrome; Neoplastic Syndromes, Hereditary; Hereditary Cancer Syndrome. Identifiers: Orphanet 140162, MedGen C0027672, MeSH D009386, MONDO:0015356.

Submission:

Ambry Genetics
Classification: Uncertain significance for Hereditary cancer-predisposing syndrome. Last evaluated: 2025-03-28. Review status: criteria provided, single submitter. Criteria: Ambry Variant Classification Scheme 2023. Collection method: clinical testing. Allele origin: germline.
Comment: The p.S685I variant (also known as c.2054G>T), located in coding exon 12 of the DICER1 gene, results from a G to T substitution at nucleotide position 2054. The serine at codon 685 is replaced by isoleucine, an amino acid with dissimilar properties. This amino acid position is conserved. In addition, this alteration is predicted to be tolerated by in silico analysis. Based on the available evidence, the clinical significance of this variant remains unclear.